The following is an entry in ClinVar:

NM_003836.7(DLK1):c.637G>A (p.Ala213Thr)

Gene: DLK1 (delta like non-canonical Notch ligand 1; plus strand). Cytogenetic location: 14q32.2.
Variant type: single nucleotide variant.
Coding change: c.637G>A on transcript NM_003836.7 (MANE Select); coding-DNA position 637, G replaced by A.
Protein change: p.Ala213Thr; replaces alanine 213 with threonine.
Molecular consequence: missense variant.
Genome position (GRCh38, 1-based): chr14:100,734,381, G>A. VCF-style: chr14-100734381-G-A. GRCh37 (hg19) VCF-style: chr14-101200718-G-A.
Other names: c.637G>A, p.Ala213Thr (NM_001317172.2); short protein forms A213T.
Identifiers: ClinVar variation 3840381 (VCV003840381.9).

ClinVar aggregate classification (germline): Likely benign. Review status: criteria provided, multiple submitters, no conflicts (2 of 4 stars). 2 submissions from 2 submitters: Likely benign (2). Last evaluated 2025-08-01.

Conditions:
Inborn genetic diseases. Identifiers: MedGen C0950123, MeSH D030342.

gnomAD v4.1: 139 of 1,611,726 alleles (0.0086%); highest among the groups gnomAD compares: Middle Eastern, 0.033%; no homozygotes.

Submissions (2):

CeGaT Center for Human Genetics Tuebingen
Classification: Likely benign. Last evaluated: 2025-08-01. Review status: criteria provided, single submitter. Criteria: CeGaT Center For Human Genetics Tuebingen Variant Classification Criteria Version 2. Collection method: clinical testing. Allele origin: germline. Affected: yes. Observed: 1 variant allele.
Comment: DLK1: BP4

Ambry Genetics
Classification: Likely benign for Inborn genetic diseases. Last evaluated: 2025-02-04. Review status: criteria provided, single submitter. Criteria: Ambry Variant Classification Scheme 2023. Collection method: clinical testing. Allele origin: germline.